The following is an entry in ClinVar:

NM_015338.6(ASXL1):c.2047A>G (p.Thr683Ala)

Gene: ASXL1 (ASXL transcriptional regulator 1; plus strand). Cytogenetic location: 20q11.21.
Variant type: single nucleotide variant.
Coding change: c.2047A>G on transcript NM_015338.6 (MANE Select); coding-DNA position 2047, A replaced by G.
Protein change: p.Thr683Ala; replaces threonine 683 with alanine.
Molecular consequence: missense variant.
Genome position (GRCh38, 1-based): chr20:32,434,759, A>G. VCF-style: chr20-32434759-A-G. GRCh37 (hg19) VCF-style: chr20-31022562-A-G.
Other names: c.1864A>G, p.Thr622Ala (NM_001363734.1); short protein forms T622A, T683A.
Identifiers: ClinVar variation 3710376 (VCV003710376.3).

ClinVar aggregate classification (germline): Conflicting classifications of pathogenicity. Review status: criteria provided, conflicting classifications (1 of 4 stars). 2 submissions from 2 submitters: Uncertain significance (1); Likely benign (1). Last evaluated 2024-07-23.

gnomAD v4.1: 29 of 1,613,258 alleles (0.0018%); highest among the groups gnomAD compares: Middle Eastern, 0.099%; 2 homozygotes.

Submissions (2):

Labcorp Genetics (formerly Invitae), Labcorp
Classification: Uncertain significance. Last evaluated: 2024-07-23. Review status: criteria provided, single submitter. Criteria: Invitae Variant Classification Sherloc (09022015). Collection method: clinical testing. Allele origin: germline.
Comment: This sequence change replaces threonine, which is neutral and polar, with alanine, which is neutral and non-polar, at codon 683 of the ASXL1 protein (p.Thr683Ala). This variant is present in population databases (no rsID available, gnomAD 0.003%). This variant has not been reported in the literature in individuals affected with ASXL1-related conditions. An algorithm developed to predict the effect of missense changes on protein structure and function outputs the following: PolyPhen-2: "Benign". The alanine amino acid residue is found in multiple mammalian species, which suggests that this missense change does not adversely affect protein function. In summary, the available evidence is currently insufficient to determine the role of this variant in disease. Therefore, it has been classified as a Variant of Uncertain Significance.

Blueprint Genetics
Classification: Likely benign. Last evaluated: 2020-04-06. Review status: criteria provided, single submitter. Criteria: ACMG Guidelines, 2015. Collection method: clinical testing. Allele origin: germline.